The following is an entry in ClinVar:

ClinVar aggregate classification (germline): Uncertain significance. Review status: criteria provided, multiple submitters, no conflicts (2 of 4 stars). 3 submissions from 3 submitters: Uncertain significance (2). 1 of the submissions does not count toward it. Last evaluated 2024-10-25.

Conditions:
Retinal dystrophy. Also called: Inherited retinal dystrophy. Identifiers: Orphanet 71862, MedGen C0854723, MeSH D058499, MONDO:0019118, HP:0000556.
Retinal dystrophy with or without macular staphyloma. Identifiers: Orphanet 653709, MedGen C4479651, MONDO:0060507, OMIM 617547.

Allele frequency attached by ClinVar (database versions not stated): ExAC 0.00003; gnomAD exomes 0.00001; TOPMed 0.00001.
gnomAD v4.1: 15 of 1,610,812 alleles (0.00093%); highest among the groups gnomAD compares: Middle Eastern, 0.033%; no homozygotes.

Submissions (3):

3billion
Classification: Uncertain significance for Retinal dystrophy with or without macular staphyloma. Last evaluated: 2024-10-25. Review status: criteria provided, single submitter. Criteria: ACMG Guidelines, 2015. Collection method: clinical testing. Allele origin: germline. Affected: yes.
Comment: The variant is observed at an extremely low frequency in the gnomAD v4.1.0 dataset (total allele frequency: 0.001%). Predicted Consequence/Location: Missense variant In silico tool predictions suggest damaging effect of the variant on gene or gene product [REVEL: 0.62 (>=0.6, sensitivity 0.68 and specificity 0.92); 3Cnet: 0.93 (>=0.6, sensitivity 0.72 and precision 0.9)]. The variant has been reported as of uncertain significance (ClinVar ID: VCV001005913). Therefore, this variant is classified as VUS according to the recommendation of ACMG/AMP guideline.

Labcorp Genetics (formerly Invitae), Labcorp
Classification: Uncertain significance. Last evaluated: 2024-10-23. Review status: criteria provided, single submitter. Criteria: Invitae Variant Classification Sherloc (09022015). Collection method: clinical testing. Allele origin: germline.
Comment: This sequence change replaces proline, which is neutral and non-polar, with leucine, which is neutral and non-polar, at codon 98 of the CFAP410 protein (p.Pro98Leu). This variant is present in population databases (rs749261239, gnomAD 0.006%). This variant has not been reported in the literature in individuals affected with CFAP410-related conditions. ClinVar contains an entry for this variant (Variation ID: 1005913). Invitae Evidence Modeling of protein sequence and biophysical properties (such as structural, functional, and spatial information, amino acid conservation, physicochemical variation, residue mobility, and thermodynamic stability) indicates that this missense variant is expected to disrupt CFAP410 protein function with a positive predictive value of 80%. In summary, the available evidence is currently insufficient to determine the role of this variant in disease. Therefore, it has been classified as a Variant of Uncertain Significance.

Institute of Human Genetics, Univ. Regensburg, Univ. Regensburg
Classification: Uncertain significance for Retinal dystrophy. Last evaluated: 2021-01-01. Review status: no assertion criteria provided. Criteria: ACMG Guidelines, 2015. Collection method: clinical testing. Allele origin: germline. Affected: yes. Not counted in ClinVar's aggregate classification.

NM_004928.3(CFAP410):c.293C>T (p.Pro98Leu)

Gene: CFAP410 (cilia and flagella associated protein 410; minus strand). Cytogenetic location: 21q22.3.
Variant type: single nucleotide variant.
Coding change: c.293C>T on transcript NM_004928.3 (MANE Select); coding-DNA position 293, C replaced by T.
Protein change: p.Pro98Leu; replaces proline 98 with leucine.
Molecular consequence: missense variant.
Genome position (GRCh38, 1-based): chr21:44,333,113, G>A on the plus strand (C>T on the coding strand, the complement: CFAP410 is on the minus strand). VCF-style: chr21-44333113-G-A. GRCh37 (hg19) VCF-style: chr21-45752996-G-A.
Other names: c.293C>T, p.Pro98Leu (NM_001271440.2, NM_001271441.2); c.170C>T, p.Pro57Leu (NM_001271442.1); short protein forms P57L, P98L.
Identifiers: ClinVar variation 1005913 (VCV001005913.9), dbSNP rs749261239, ClinGen allele CA10053737.